The following is an entry in ClinVar:

NM_001077350.3(NPRL3):c.117A>G (p.Thr39=)

Genes: HBA-LCR (alpha-globin locus control region; plus strand), NPRL3 (NPR3 like, GATOR1 complex subunit; minus strand). Cytogenetic location: 16p13.3.
Variant type: single nucleotide variant.
Coding change: c.117A>G on transcript NM_001077350.3 (MANE Select); coding-DNA position 117, A replaced by G.
Protein change: p.Thr39=; no amino-acid change (threonine 39 retained).
Molecular consequence: synonymous variant. On other transcripts: 5 prime UTR variant (2).
Genome position (GRCh38, 1-based): chr16:138,151, T>C on the plus strand (A>G on the coding strand, the complement: NPRL3 is on the minus strand). VCF-style: chr16-138151-T-C. GRCh37 (hg19) VCF-style: chr16-188150-T-C.
Other names: c.-216A>G (NM_001039476.3); c.-255A>G (NM_001243247.2); c.117A>G, p.Thr39= (NM_001243248.2, NM_001243249.2).
Identifiers: ClinVar variation 542801 (VCV000542801.8), dbSNP rs764156867, ClinGen allele CA7769799.

ClinVar aggregate classification (germline): Uncertain significance (1 of 4 stars; one submission).

Conditions:
Epilepsy, familial focal, with variable foci 3 (FFEVF3). Identifiers: MedGen C4310708, MONDO:0014925, OMIM 617118.

Allele frequency attached by ClinVar (database versions not stated): gnomAD exomes below 0.00001; gnomAD 0.00001; ExAC 0.00002.
gnomAD v4.1: 3 of 1,598,834 alleles (0.00019%); highest among the groups gnomAD compares: African/African-American, 0.0013%; no homozygotes.

Submission:

Labcorp Genetics (formerly Invitae), Labcorp
Classification: Uncertain significance for Epilepsy, familial focal, with variable foci 3. Last evaluated: 2025-12-21. Review status: criteria provided, single submitter. Criteria: Invitae Variant Classification Sherloc (09022015). Collection method: clinical testing. Allele origin: germline.
Comment: This sequence change affects codon 39 of the NPRL3 mRNA. It is a 'silent' change, meaning that it does not change the encoded amino acid sequence of the NPRL3 protein. It affects a nucleotide within the consensus splice site. The frequency data for this variant in the population databases is considered unreliable, as metrics indicate poor data quality at this position in the gnomAD database. This variant has not been reported in the literature in individuals affected with NPRL3-related conditions. ClinVar contains an entry for this variant (Variation ID: 542801). Algorithms developed to predict the effect of sequence changes on RNA splicing suggest that this variant is not likely to affect RNA splicing. In summary, the available evidence is currently insufficient to determine the role of this variant in disease. Therefore, it has been classified as a Variant of Uncertain Significance.